The following is an entry in ClinVar:

ClinVar aggregate classification (germline): Uncertain significance. Review status: criteria provided, multiple submitters, no conflicts (2 of 4 stars). 3 submissions from 3 submitters: Uncertain significance (3). Last evaluated 2024-02-22.

Conditions:
Kostmann syndrome (SCN3). Also called: Autosomal recessive severe congenital neutropenia type 3; KOSTMANN DISEASE. Identifiers: Orphanet 99749, MedGen C5235141, MONDO:0012548, OMIM 610738.

Submissions (3):

ARUP Laboratories, Molecular Genetics and Genomics, ARUP Laboratories
Classification: Uncertain significance for Kostmann syndrome. Last evaluated: 2024-02-22. Review status: criteria provided, single submitter. Criteria: ARUP Molecular Germline Variant Investigation Process 2024. Collection method: clinical testing. Allele origin: germline.

Blueprint Genetics
Classification: Uncertain significance. Last evaluated: 2022-07-17. Review status: criteria provided, single submitter. Criteria: ACMG Guidelines, 2015. Collection method: clinical testing. Allele origin: germline.

Labcorp Genetics (formerly Invitae), Labcorp
Classification: Uncertain significance for Kostmann syndrome. Last evaluated: 2022-04-19. Review status: criteria provided, single submitter. Criteria: Invitae Variant Classification Sherloc (09022015). Collection method: clinical testing. Allele origin: germline.
Comment: This variant, c.102_104del, results in the deletion of 1 amino acid(s) of the HAX1 protein (p.Asp34del), but otherwise preserves the integrity of the reading frame. This variant is present in population databases (rs560912060, gnomAD 0.1%). This variant has not been reported in the literature in individuals affected with HAX1-related conditions. ClinVar contains an entry for this variant (Variation ID: 543081). Experimental studies and prediction algorithms are not available or were not evaluated, and the functional significance of this variant is currently unknown. In summary, the available evidence is currently insufficient to determine the role of this variant in disease. Therefore, it has been classified as a Variant of Uncertain Significance.

NM_006118.4(HAX1):c.96TGA[2] (p.Asp34del)

Gene: HAX1 (HCLS1 associated protein X-1; plus strand). Cytogenetic location: 1q21.3.
Variant type: Microsatellite.
Coding change: c.96TGA[2] on transcript NM_006118.4 (MANE Select); two copies in a row of the 3-base unit TGA starting at c.96; the reference has three copies in a row; one copy, 3 bases deleted.
Protein change: p.Asp34del; deletes aspartic acid 34.
Molecular consequence: inframe deletion. On other transcripts: intron variant (1).
Genome position (GRCh38, 1-based): chr1:154,273,384-154,273,386, TGA deleted; deleting any 3 consecutive bases within chr1:154,273,376-154,273,386 gives the same sequence; the position shown is the placement nearest the transcript's 3' end. VCF-style (leftmost placement, unchanged base first): chr1-154273375-AGAT-A. GRCh37 (hg19) VCF-style: chr1-154245851-AGAT-A.
Other names: c.102_104delTGA (NM_006118.3); c.54-104GAT[2] (NM_001018837.2); short protein forms D34del.
Identifiers: ClinVar variation 543081 (VCV000543081.6), dbSNP rs560912060, ClinGen allele CA1127248.